The following is an entry in ClinVar:

ClinVar aggregate classification (germline): Uncertain significance (1 of 4 stars; one submission).

gnomAD v4.1: 1 of 1,609,810 alleles (0.000062%); highest among the groups gnomAD compares: South Asian, 0.0011%; no homozygotes.

Submission:

Labcorp Genetics (formerly Invitae), Labcorp
Classification: Uncertain significance. Last evaluated: 2024-08-06. Review status: criteria provided, single submitter. Criteria: Invitae Variant Classification Sherloc (09022015). Collection method: clinical testing. Allele origin: germline.
Comment: This sequence change replaces isoleucine, which is neutral and non-polar, with methionine, which is neutral and non-polar, at codon 172 of the SEPT9 protein (p.Ile172Met). This variant is present in population databases (no rsID available, gnomAD 0.003%). This variant has not been reported in the literature in individuals affected with SEPT9-related conditions. Advanced modeling of protein sequence and biophysical properties (such as structural, functional, and spatial information, amino acid conservation, physicochemical variation, residue mobility, and thermodynamic stability) performed at Invitae indicates that this missense variant is not expected to disrupt SEPT9 protein function with a negative predictive value of 80%. In summary, the available evidence is currently insufficient to determine the role of this variant in disease. Therefore, it has been classified as a Variant of Uncertain Significance.

NM_001113491.2(SEPTIN9):c.570C>G (p.Ile190Met)

Gene: SEPTIN9 (septin 9; plus strand). Cytogenetic location: 17q25.3.
Variant type: single nucleotide variant.
Coding change: c.570C>G on transcript NM_001113491.2 (MANE Select); coding-DNA position 570, C replaced by G.
Protein change: p.Ile190Met; replaces isoleucine 190 with methionine.
Molecular consequence: missense variant.
Genome position (GRCh38, 1-based): chr17:77,402,552, C>G. VCF-style: chr17-77402552-C-G. GRCh37 (hg19) VCF-style: chr17-75398634-C-G.
Other names: c.78C>G, p.Ile26Met (NM_001113492.2, NM_001113494.1); c.549C>G, p.Ile183Met (NM_001113493.2); c.513C>G, p.Ile171Met (NM_001293695.2); c.516C>G, p.Ile172Met (NM_006640.5); short protein forms I171M, I172M, I183M, I190M, I26M.
Identifiers: ClinVar variation 3616341 (VCV003616341.2).